The following is an entry in ClinVar:

ClinVar aggregate classification (germline): Conflicting classifications of pathogenicity. Review status: criteria provided, conflicting classifications (1 of 4 stars). 13 submissions from 13 submitters: Pathogenic (8); Likely pathogenic (2); Uncertain significance (1). 2 of the submissions do not count toward it. Last evaluated 2026-02-16.

Conditions:
CACNA1A-related complex neurodevelopmental disorder. Identifiers: MedGen CN323281, MONDO:0100254.
Developmental and epileptic encephalopathy, 42 (DEE42A). Also called: Epileptic encephalopathy, early infantile, 42; DEVELOPMENTAL AND EPILEPTIC ENCEPHALOPATHY 42A; EPILEPTIC ENCEPHALOPATHY, EARLY INFANTILE, 42A. Identifiers: MedGen C4310716, MONDO:0014917, OMIM 617106.
Episodic ataxia type 2 (EA2). Also called: ATAXIA, EPISODIC, WITH NYSTAGMUS; ATAXIA, FAMILIAL PAROXYSMAL; ACETAZOLAMIDE-RESPONSIVE HEREDITARY PAROXYSMAL CEREBELLAR ATAXIA; CEREBELLAR ATAXIA, PAROXYSMAL, ACETAZOLAMIDE-RESPONSIVE; CEREBELLOPATHY, HEREDITARY PAROXYSMAL; EPISODIC ATAXIA, NYSTAGMUS-ASSOCIATED. Identifiers: Orphanet 97, MedGen C1720416, MONDO:0007163, OMIM 108500.
Epileptic encephalopathy. Identifiers: MedGen C0543888, HP:0200134.
Gait ataxia. Identifiers: MedGen C0751837, HP:0002066.
Migraine, familial hemiplegic, 1. Also called: MIGRAINE, FAMILIAL HEMIPLEGIC 1, WITH PROGRESSIVE CEREBELLAR ATAXIA. Identifiers: Orphanet 569, MedGen C1832884, MONDO:0020756, OMIM 141500, MONDO:0007714.
Spinocerebellar ataxia type 6 (SCA6). Identifiers: Orphanet 98758, MedGen C0752124, MONDO:0008457, OMIM 183086.
Developmental and epileptic encephalopathy, 52 (DEE52). Also called: Epileptic encephalopathy, early infantile, 52. Identifiers: MedGen C4479236, MONDO:0033361, OMIM 617350.
Inborn genetic diseases. Identifiers: MedGen C0950123, MeSH D030342.

Submissions (13):

Women's Health and Genetics/Laboratory Corporation of America, LabCorp
Classification: Pathogenic for Developmental and epileptic encephalopathy, 42. Last evaluated: 2026-02-16. Review status: criteria provided, single submitter. Criteria: LabCorp Variant Classification Summary - May 2015. Collection method: clinical testing. Allele origin: germline.
Comment: Variant summary: CACNA1A c.835C>T (p.Arg279Cys) results in a non-conservative amino acid change in the encoded protein sequence. Algorithms developed to predict the effect of missense changes on protein structure and function are either unavailable or do not agree on the potential impact of this missense change. The frequency data for this variant in gnomAD is considered unreliable, as metrics indicate poor data quality at this position. c.835C>T has been observed in multiple individuals affected with Episodic ataxia, type 2 and Epileptic Encephalopathy, Early Infantile, 42 and in at least 1 individual, this variant has been detected as de novo (Maksemous_2016, Tomlinson_2016, Angelini_2019, Hommersom_2022). This variant has also been detected in unaffected individuals in one family, indicating incomplete penetrance (Angelini_2019). These data indicate that the variant is very likely to be associated with disease. To our knowledge, no experimental evidence demonstrating an impact on protein function has been reported. The following publications have been ascertained in the context of this evaluation (PMID: 30142438, 34806130, 27066515, 26912519). ClinVar contains an entry for this variant (Variation ID: 545691). Based on the evidence outlined above, the variant was classified as pathogenic.

Labcorp Genetics (formerly Invitae), Labcorp
Classification: Pathogenic for Developmental and epileptic encephalopathy, 42; Episodic ataxia type 2. Last evaluated: 2025-10-23. Review status: criteria provided, single submitter. Criteria: Invitae Variant Classification Sherloc (09022015). Collection method: clinical testing. Allele origin: germline.
Comment: This sequence change replaces arginine, which is basic and polar, with cysteine, which is neutral and slightly polar, at codon 279 of the CACNA1A protein (p.Arg279Cys). This variant is not present in population databases (gnomAD no frequency). This missense change has been observed in individuals with CACNA1A-related conditions (PMID: 26912519, 27066515, 28444220, 30142438). It has also been observed to segregate with disease in related individuals. ClinVar contains an entry for this variant (Variation ID: 545691). Invitae Evidence Modeling of protein sequence and biophysical properties (such as structural, functional, and spatial information, amino acid conservation, physicochemical variation, residue mobility, and thermodynamic stability) has been performed for this missense variant. However, the output from this modeling did not meet the statistical confidence thresholds required to predict the impact of this variant on CACNA1A protein function. For these reasons, this variant has been classified as Pathogenic.

Clinical Genetics Laboratory, Skane University Hospital Lund
Classification: Pathogenic for CACNA1A-related complex neurodevelopmental disorder. Last evaluated: 2025-09-10. Review status: criteria provided, single submitter. Criteria: ACMG Guidelines, 2015. Collection method: clinical testing. Allele origin: germline. Inheritance: Autosomal dominant inheritance. Affected: yes.
Comment: ACMG criteria used: PS4, PM2, PP1_Strong, PP3, PP4

Mayo Clinic Laboratories, Mayo Clinic
Classification: Pathogenic. Last evaluated: 2025-03-26. Review status: criteria provided, single submitter. Criteria: ACMG Guidelines, 2015. Collection method: clinical testing. Allele origin: germline. Observed: 1 variant allele.
Comment: PP1, PP2, PP3_moderate, PM2_supporting, PM6, PS4

GeneDx
Classification: Pathogenic. Last evaluated: 2025-03-14. Review status: criteria provided, single submitter. Criteria: GeneDx Variant Classification Process June 2021. Collection method: clinical testing. Allele origin: germline. Affected: yes.
Comment: Identified in multiple patients with episodic ataxia in published literature (PMID: 27066515, 26912519, 28444220); In silico analysis supports that this missense variant has a deleterious effect on protein structure/function; Not observed at significant frequency in large population cohorts (gnomAD); This variant is associated with the following publications: (PMID: 23344743, 27066515, 28444220, 26912519, 31654490, 32899500, 34263451, 35395208, 34102571, 35401678, 37555011, 35722745, 34806130, 38689878, 30142438)

Athena Diagnostics
Classification: Pathogenic. Last evaluated: 2024-02-27. Review status: criteria provided, single submitter. Criteria: Athena Diagnostics Criteria. Collection method: clinical testing. Allele origin: unknown.
Comment: This variant has been identified in multiple unrelated individuals with episodic ataxia. Variable presentation and reduced penetrance has also reported. This variant has not been reported in large, multi-ethnic general populations. Computational tools predict that this variant is damaging.

Ambry Genetics
Classification: Pathogenic for Inborn genetic diseases. Last evaluated: 2023-10-06. Review status: criteria provided, single submitter. Criteria: Ambry Variant Classification Scheme 2023. Collection method: clinical testing. Allele origin: germline.
Comment: The c.835C>T (p.R279C) alteration is located in exon 6 (coding exon 6) of the CACNA1A gene. This alteration results from a C to T substitution at nucleotide position 835, causing the arginine (R) at amino acid position 279 to be replaced by a cysteine (C)._x000D_ _x000D_ ; however, it is unlikely to be causative of CACN1A-related spinocerebellar ataxia. This variant was not reported in population-based cohorts in the Genome Aggregation Database (gnomAD). This variant has been determined to be the result of a de novo mutation in one individual and has been reported as heterozygous in three individuals with features consistent with episodic ataxia, type 2 (Tomlinson, 2016; Maksemous, 2016; Angelini, 2019; Waters, 2019; Hommersom, 2022). Additionally, this variant has been reported in multiple individuals with features consistent with CACNA1A-related early onset ataxia (Angelini, 2019; Ghorbani, 2022; Lipman, 2022; Kessi, 2023). One study has shown this variant to segregate with both episodic ataxia, type 2 and CACNA1A-related neurologic disorders within the same family with incomplete penetrance (Angelini, 2019). This amino acid position is highly conserved in available vertebrate species. This missense alteration is located in a region that has a low rate of benign missense variation (Lek, 2016; Firth, 2009). This alteration is predicted to be deleterious by in silico analysis. Based on the available evidence, this alteration is classified as pathogenic.

Institute of Medical Genetics and Applied Genomics, University Hospital Tübingen
Classification: Likely pathogenic for Developmental and epileptic encephalopathy, 42. Last evaluated: 2023-06-01. Review status: criteria provided, single submitter. Criteria: ACMG Guidelines, 2015. Collection method: clinical testing. Allele origin: germline. Inheritance: Autosomal dominant inheritance. Affected: yes.

Wendy Chung Laboratory, Boston Children's Hospital
Classification: Likely pathogenic for Developmental and epileptic encephalopathy, 52; Episodic ataxia type 2; Migraine, familial hemiplegic, 1; Spinocerebellar ataxia type 6. Last evaluated: 2022-03-20. Review status: criteria provided, single submitter. Criteria: ACMG Guidelines, 2015. Collection method: clinical testing. Allele origin: maternal. Affected: yes.

Pediatric Department, Xiangya Hospital, Central South University
Classification: Pathogenic for Developmental and epileptic encephalopathy, 42. Last evaluated: 2021-01-07. Review status: criteria provided, single submitter. Criteria: ACMG Guidelines, 2015. Collection method: clinical testing. Allele origin: paternal. Affected: yes.

Blueprint Genetics
Classification: Uncertain significance. Last evaluated: 2020-11-13. Review status: criteria provided, single submitter. Criteria: ACMG Guidelines, 2015. Collection method: clinical testing. Allele origin: germline.

O&I group, Department of Genetics, University Medical Center of Groningen
Classification: Pathogenic for Spinocerebellar ataxia type 6. Last evaluated: 2021-07-22. Review status: no assertion criteria provided. Collection method: research. Allele origin: de novo. Affected: yes. Not counted in ClinVar's aggregate classification.

Laboratoire de Génétique Moléculaire, CHU Bordeaux
Classification: Pathogenic. Last evaluated: 2018-01-10. Review status: no assertion criteria provided. Collection method: clinical testing. Allele origin: maternal. Inheritance: Autosomal dominant inheritance. Affected: yes. Observed: 10 variant alleles, 10 heterozygotes. Not counted in ClinVar's aggregate classification.
Comment: The Arg279Cys variant in CACNA1A has been reported in a family with episodic ataxia type 2 by Maksemous et al, 2016. This variant is absent in GnomAD and ExAC database.

Literature cited by the submitters: PubMed 34806130 (cited by 4 submitters); PubMed 30142438 (cited by 5 submitters); PubMed 27066515 (cited by 5 submitters); PubMed 26912519 (cited by 4 submitters); PubMed 28444220 (cited by Labcorp Genetics (formerly Invitae), Labcorp and Athena Diagnostics); PubMed 34102571 (cited by Mayo Clinic Laboratories, Mayo Clinic and Athena Diagnostics); PubMed 35401678 (cited by 3 submitters); PubMed 35722745 (cited by 3 submitters); PubMed 37555011 (cited by 3 submitters); PubMed 31654490 (cited by Athena Diagnostics and Ambry Genetics); PubMed 33397523 (cited by Athena Diagnostics); PubMed 35395208 (cited by Athena Diagnostics); DOI 10.3389/fgene.2022.782685 (cited by O&I group, Department of Genetics, University Medical Center of Groningen).

NM_001127222.2(CACNA1A):c.835C>T (p.Arg279Cys)

Gene: CACNA1A (calcium voltage-gated channel subunit alpha1 A; minus strand). Cytogenetic location: 19p13.13.
Variant type: single nucleotide variant.
Coding change: c.835C>T on transcript NM_001127222.2 (MANE Select); coding-DNA position 835, C replaced by T.
Protein change: p.Arg279Cys; replaces arginine 279 with cysteine.
Molecular consequence: missense variant.
Genome position (GRCh38, 1-based): chr19:13,359,749, G>A on the plus strand (C>T on the coding strand, the complement: CACNA1A is on the minus strand). VCF-style: chr19-13359749-G-A. GRCh37 (hg19) VCF-style: chr19-13470563-G-A.
Other names: p.Arg279Cys; c.835C>T (NM_023035.1); c.835C>T, p.Arg279Cys (NM_000068.4, NM_001127221.2, NM_001174080.2 and 1 more transcripts); short protein forms R279C.
Identifiers: ClinVar variation 545691 (VCV000545691.54), dbSNP rs1555773764, ClinGen allele CA404347323.